The following is an entry in ClinVar:

ClinVar aggregate classification (germline): Uncertain significance (1 of 4 stars; one submission).

gnomAD v4.1: 6 of 1,612,846 alleles (0.00037%); highest among the groups gnomAD compares: Middle Eastern, 0.017%; no homozygotes.

Submission:

Labcorp Genetics (formerly Invitae), Labcorp
Classification: Uncertain significance. Last evaluated: 2024-08-31. Review status: criteria provided, single submitter. Criteria: Invitae Variant Classification Sherloc (09022015). Collection method: clinical testing. Allele origin: germline.
Comment: This sequence change replaces alanine, which is neutral and non-polar, with valine, which is neutral and non-polar, at codon 264 of the NUP62 protein (p.Ala264Val). This variant is present in population databases (rs375689644, gnomAD 0.004%). This variant has not been reported in the literature in individuals affected with NUP62-related conditions. An algorithm developed to predict the effect of missense changes on protein structure and function outputs the following: PolyPhen-2: "Benign". The valine amino acid residue is found in multiple mammalian species, which suggests that this missense change does not adversely affect protein function. In summary, the available evidence is currently insufficient to determine the role of this variant in disease. Therefore, it has been classified as a Variant of Uncertain Significance.

NM_016553.5(NUP62):c.791C>T (p.Ala264Val)

Genes: IL4I1 (interleukin 4 induced 1; minus strand), NUP62 (nucleoporin 62; minus strand). Cytogenetic location: 19q13.33.
Variant type: single nucleotide variant.
Coding change: c.791C>T on transcript NM_016553.5 (MANE Select); coding-DNA position 791, C replaced by T.
Protein change: p.Ala264Val; replaces alanine 264 with valine.
Molecular consequence: missense variant. On other transcripts: intron variant (3).
Genome position (GRCh38, 1-based): chr19:49,909,017, G>A on the plus strand (C>T on the coding strand, the complement: NUP62 is on the minus strand). VCF-style: chr19-49909017-G-A. GRCh37 (hg19) VCF-style: chr19-50412274-G-A.
Other names: c.791C>T, p.Ala264Val (NM_001193357.2, NM_012346.5, NM_153718.4 and 1 more transcripts); c.-227-4696C>T (NM_001258017.2, NM_172374.3); c.-285-4696C>T (NM_001258018.2); short protein forms A264V.
Identifiers: ClinVar variation 3618221 (VCV003618221.2).